The following is an entry in ClinVar:

NM_138694.4(PKHD1):c.11525G>T (p.Arg3842Leu)

Gene: PKHD1 (PKHD1 ciliary IPT domain containing fibrocystin/polyductin; minus strand). Cytogenetic location: 6p12.3.
Variant type: single nucleotide variant.
Coding change: c.11525G>T on transcript NM_138694.4 (MANE Select); coding-DNA position 11525, G replaced by T.
Protein change: p.Arg3842Leu; replaces arginine 3842 with leucine.
Molecular consequence: missense variant.
Genome position (GRCh38, 1-based): chr6:51,632,705, C>A on the plus strand (G>T on the coding strand, the complement: PKHD1 is on the minus strand). VCF-style: chr6-51632705-C-A. GRCh37 (hg19) VCF-style: chr6-51497503-C-A.
Other names: short protein forms R3842L.
Identifiers: ClinVar variation 96371 (VCV000096371.44), dbSNP rs76572975, ClinGen allele CA149478.

ClinVar aggregate classification (germline): Benign/Likely benign. Review status: criteria provided, multiple submitters, no conflicts (2 of 4 stars). 12 submissions from 12 submitters: Benign (7); Likely benign (1). 4 of the submissions do not count toward it. Last evaluated 2026-09-01.

Conditions:
Autosomal recessive polycystic kidney disease (ARPKD). Also called: AR polycystic kidney disease. Identifiers: Orphanet 731, Orphanet 8378, MedGen C0085548, MeSH D017044, MONDO:0009889.
Polycystic kidney disease. Also called: Polycystic kidney dysplasia; Kidney, Polycystic. Identifiers: MedGen C0022680, MeSH D007690, MONDO:0020642, HP:0000113.

Allele frequency attached by ClinVar (database versions not stated): 1000 Genomes Project 30x 0.00796; 1000 Genomes Project 0.00839; TOPMed 0.01533; ESP Exome Variant Server 0.01730.
gnomAD v4.1: 32,872 of 1,612,948 alleles (2%); highest among the groups gnomAD compares: Middle Eastern, 4.8%; 441 homozygotes.

Submissions (12):

CeGaT Center for Human Genetics Tuebingen
Classification: Benign. Last evaluated: 2026-09-01. Review status: criteria provided, single submitter. Criteria: CeGaT Center For Human Genetics Tuebingen Variant Classification Criteria Version 2. Collection method: clinical testing. Allele origin: germline. Affected: yes. Observed: 21 variant alleles.
Comment: PKHD1: BS1, BS2

Labcorp Genetics (formerly Invitae), Labcorp
Classification: Benign for Autosomal recessive polycystic kidney disease. Last evaluated: 2026-02-04. Review status: criteria provided, single submitter. Criteria: Invitae Variant Classification Sherloc (09022015). Collection method: clinical testing. Allele origin: germline.

Blueprint Genetics
Classification: Likely benign. Last evaluated: 2024-11-26. Review status: criteria provided, single submitter. Criteria: ACMG Guidelines, 2015. Collection method: clinical testing. Allele origin: germline.

GeneDx
Classification: Benign. Last evaluated: 2020-10-20. Review status: criteria provided, single submitter. Criteria: GeneDx Variant Classification Process June 2021. Collection method: clinical testing. Allele origin: germline. Affected: yes.
Comment: This variant is associated with the following publications: (PMID: 15698423, 19914852)

Illumina Laboratory Services, Illumina
Classification: Benign for Polycystic kidney disease 4. Last evaluated: 2017-04-27. Review status: criteria provided, single submitter. Criteria: ICSL Variant Classification Criteria 13 December 2019. Collection method: clinical testing. Allele origin: germline.
Comment: This variant was observed as part of a predisposition screen in an ostensibly healthy population. A literature search was performed for the gene, cDNA change, and amino acid change (where applicable). Publications were found based on this search. The evidence from the literature, in combination with allele frequency data from public databases where available, was sufficient to rule this variant out of causing disease. Therefore, this variant is classified as benign.

Women's Health and Genetics/Laboratory Corporation of America, LabCorp
Classification: Benign. Last evaluated: 2016-12-12. Review status: criteria provided, single submitter. Criteria: LabCorp Variant Classification Summary - May 2015. Collection method: clinical testing. Allele origin: germline.
Comment: Variant summary: The PKHD1 c.11525G>T (p.Arg3842Leu) variant causes a missense change involving a non-conserved nucleotide, which in silico tools predict conflicting results, 2/4 predict "benign" and 2/4 predict "damaging." This variant was found in 2160/121714 control chromosomes (including 21 homozygotes) at a frequency of 0.0177465, which is approximately 3 times the estimated maximal expected allele frequency of a pathogenic PKHD1 variant (0.0070711), suggesting this variant is likely a benign polymorphism. The variant is more common in European subpopulations from ExAC with allele frequencies of 3-4%. In literature, the variant has also been reported as a polymorphism or a benign variant found in ARPKD patients (Bergmann_2005, Sharp_2005, Gunay-Aygun_2010). In addition, multiple clinical diagnostic laboratories have classified this variant as benign. Taken together, this variant is classified as Benign.

Eurofins Ntd Llc (ga)
Classification: Benign. Last evaluated: 2013-07-15. Review status: criteria provided, single submitter. Criteria: EGL Classification Definitions 2015. Collection method: clinical testing. Allele origin: germline. Observed: 10 variant alleles, 8 heterozygotes, 2 homozygotes.

PreventionGenetics, part of Exact Sciences
Classification: Benign. Review status: criteria provided, single submitter. Criteria: ACMG Guidelines, 2015. Collection method: clinical testing. Allele origin: germline.

Natera, Inc.
Classification: Benign for Autosomal recessive polycystic kidney disease. Last evaluated: 2017-05-11. Review status: no assertion criteria provided. Collection method: clinical testing. Allele origin: germline. Not counted in ClinVar's aggregate classification.

Department of Pathology and Laboratory Medicine, Sinai Health System
Classification: Benign for Polycystic Kidney disease. Review status: no assertion criteria provided. Collection method: clinical testing. Allele origin: unknown. Affected: yes. Observed: 1 variant allele. Study: The Canadian Open Genetics Repository (COGR). Not counted in ClinVar's aggregate classification.
Comment: The PKHD1 p.Arg3842Leu variant was identified in 8 of 636 proband chromosomes (frequency: 0.01) from European, Dutch and American individuals or families with ARPKD and was present in 11 of 600 control chromosomes (frequency: 0.02) from healthy individuals (Sharp_2005_15805161, Losekoot_2005_16133180, Gunay-Aygun_2010_19914852, Bergmann_2005_15698423). The variant was also identified in the following databases: dbSNP (ID: rs76572975) â€šÃ„ÃºWith Benign alleleâ€šÃ„Ã¹, ClinVar (benign by EGL Genetic Diagnostics (Eurofins Clinical Diagnostics), Prevention Genetics and Invitae), RWTH AAachen University ARPKD database, and was not identified in the COGR and LOVD 3.0. The variant was identified in control databases in 5207 (73 homozygous) of 276514 chromosomes at a frequency of 0.02 increasing the likelihood this could be a low frequency benign variant (Genome Aggregation Database Feb 27, 2017). Observations by population include African in 77 of 24014 chromosomes (freq: 0.003), Other in 113 (2 homozygous) of 6444 chromosomes (freq: 0.02), Latino in 402 (4 homozygous) of 34320 chromosomes (freq: 0.01), European Non-Finnish in 3049 (41 homozygous) of 126226 chromosomes (freq: 0.02), Ashkenazi Jewish in 241 (3 homozygous) of 10130 chromosomes (freq: 0.02), European Finnish in 1066 (23 homozygous) of 25770 chromosomes (freq: 0.04), and South Asian in 259 of 30778 chromosomes (freq: 0.008); it was not observed in the East Asian populations. The p.Arg3842 residue is conserved in mammals and computational analyses (PolyPhen-2, SIFT, AlignGVGD, BLOSUM, MutationTaster) provide inconsistent predictions regarding the impact of the variant Leu to the protein; this information is not very predictive of pathogenicity. The variant occurs outside of the splicing consensus sequence and in silico or computational prediction software programs (SpliceSiteFinder, MaxEntScan, NNSPLICE, GeneSplicer, HumanSpliceFinder) do not predict a difference in splicing. In summary, based on the above information this variant meets our laboratory criteria to be classified as benign.

Genome Diagnostics Laboratory, University Medical Center Utrecht
Classification: Benign. Review status: no assertion criteria provided. Collection method: clinical testing. Allele origin: germline. Affected: yes. Study: VKGL Data-share Consensus. Not counted in ClinVar's aggregate classification.

Laboratory of Diagnostic Genome Analysis, Leiden University Medical Center (LUMC)
Classification: Likely benign. Review status: no assertion criteria provided. Collection method: clinical testing. Allele origin: germline. Affected: yes. Study: VKGL Data-share Consensus. Not counted in ClinVar's aggregate classification.

Literature cited by the submitters: PubMed 23757202 (cited by Illumina Laboratory Services, Illumina); PubMed 15805161 (cited by Women's Health and Genetics/Laboratory Corporation of America, LabCorp); PubMed 15698423 (cited by Women's Health and Genetics/Laboratory Corporation of America, LabCorp).